The following is an entry in ClinVar:

NM_000260.4(MYO7A):c.2106C>T (p.Arg702=)

Gene: MYO7A (myosin VIIA; plus strand). Cytogenetic location: 11q13.5.
Variant type: single nucleotide variant.
Coding change: c.2106C>T on transcript NM_000260.4 (MANE Select); coding-DNA position 2106, C replaced by T.
Protein change: p.Arg702=; no amino-acid change (arginine 702 retained).
Molecular consequence: synonymous variant.
Genome position (GRCh38, 1-based): chr11:77,175,383, C>T. VCF-style: chr11-77175383-C-T. GRCh37 (hg19) VCF-style: chr11-76886429-C-T.
Other names: c.2106C>T, p.Arg702= (NM_001127180.2); c.2073C>T, p.Arg691= (NM_001369365.1).
Identifiers: ClinVar variation 164678 (VCV000164678.24), dbSNP rs369787754, ClinGen allele CA177380.

ClinVar aggregate classification (germline): Conflicting classifications of pathogenicity. Review status: criteria provided, conflicting classifications (1 of 4 stars). 8 submissions from 6 submitters: Uncertain significance (3); Benign (1); Likely benign (3). 1 of the submissions does not count toward it. Last evaluated 2026-01-25.

Conditions:
Autosomal dominant nonsyndromic hearing loss 11. Identifiers: Orphanet 90635, MedGen C1832475, MONDO:0011032, OMIM 601317.
Autosomal recessive nonsyndromic hearing loss 2. Also called: NEUROSENSORY NONSYNDROMIC RECESSIVE DEAFNESS 2; DEAFNESS, AUTOSOMAL RECESSIVE 2. Identifiers: Orphanet 90636, MedGen C1838701, MONDO:0010807, OMIM 600060.
Usher syndrome type 1 (USH1). Also called: RETINITIS PIGMENTOSA AND CONGENITAL DEAFNESS. Identifiers: Orphanet 231169, Orphanet 886, MedGen C1568247, MONDO:0010168, OMIM 276900.
MYO7A-related disorder. Also called: MYO7A-related disorders.

Allele frequency attached by ClinVar (database versions not stated): gnomAD exomes 0.00011 and 0.00024; gnomAD 0.00016 and 0.00017; TOPMed 0.00017; ExAC 0.00019; ESP Exome Variant Server 0.00048.

Submissions (8):

Labcorp Genetics (formerly Invitae), Labcorp
Classification: Benign. Last evaluated: 2026-01-25. Review status: criteria provided, single submitter. Criteria: Invitae Variant Classification Sherloc (09022015). Collection method: clinical testing. Allele origin: germline.

Blueprint Genetics
Classification: Likely benign. Last evaluated: 2023-06-07. Review status: criteria provided, single submitter. Criteria: ACMG Guidelines, 2015. Collection method: clinical testing. Allele origin: germline.

GeneDx
Classification: Likely benign. Last evaluated: 2020-07-14. Review status: criteria provided, single submitter. Criteria: GeneDx Variant Classification Process June 2021. Collection method: clinical testing. Allele origin: germline. Affected: yes.

Illumina Laboratory Services, Illumina
Classification: Uncertain significance for Autosomal recessive nonsyndromic hearing loss 2. Last evaluated: 2018-03-16. Review status: criteria provided, single submitter. Criteria: ICSL Variant Classification Criteria 13 December 2019. Collection method: clinical testing. Allele origin: germline.

Illumina Laboratory Services, Illumina
Classification: Uncertain significance for Autosomal dominant nonsyndromic hearing loss 11. Last evaluated: 2018-03-16. Review status: criteria provided, single submitter. Criteria: ICSL Variant Classification Criteria 13 December 2019. Collection method: clinical testing. Allele origin: germline.

Illumina Laboratory Services, Illumina
Classification: Uncertain significance for Usher syndrome type 1. Last evaluated: 2018-03-16. Review status: criteria provided, single submitter. Criteria: ICSL Variant Classification Criteria 13 December 2019. Collection method: clinical testing. Allele origin: germline.

Laboratory for Molecular Medicine, Mass General Brigham Personalized Medicine
Classification: Likely benign. Last evaluated: 2012-04-30. Review status: criteria provided, single submitter. Criteria: LMM Criteria. Collection method: clinical testing. Allele origin: germline. Observed: 1 variant allele.
Comment: Arg702Arg in Exon 18 of MYO7A: This variant is not expected to have clinical sig nificance because it does not alter an amino acid residue, is not located within the splice consensus sequence, and has been identified in 0.1% (6/8388) of Euro pean American chromosomes from a broad population by the NHLBI Exome Sequencing Project (dbSNP rs369787754).

PreventionGenetics, part of Exact Sciences
Classification: Likely benign for MYO7A-related condition. Last evaluated: 2019-06-20. Review status: no assertion criteria provided. Collection method: clinical testing. Allele origin: germline. Not counted in ClinVar's aggregate classification.
Comment: This variant is classified as likely benign based on ACMG/AMP sequence variant interpretation guidelines (Richards et al. 2015 PMID: 25741868, with internal and published modifications).